The following is an entry in ClinVar:

ClinVar aggregate classification (germline): Uncertain significance. Review status: criteria provided, multiple submitters, no conflicts (2 of 4 stars). 2 submissions from 2 submitters: Uncertain significance (2). Last evaluated 2021-09-30.

Conditions:
Encephalopathy-hypertrophic cardiomyopathy-renal tubular disease syndrome. Identifiers: Orphanet 319678, MedGen C3553374, MONDO:0013840, OMIM 614654.

Allele frequency attached by ClinVar (database versions not stated): gnomAD 0.00001; gnomAD exomes 0.00001; ExAC 0.00002.

Submissions (2):

Labcorp Genetics (formerly Invitae), Labcorp
Classification: Uncertain significance. Last evaluated: 2021-09-30. Review status: criteria provided, single submitter. Criteria: Invitae Variant Classification Sherloc (09022015). Collection method: clinical testing. Allele origin: germline.
Comment: This sequence change replaces arginine with tryptophan at codon 156 of the COQ9 protein (p.Arg156Trp). The arginine residue is weakly conserved and there is a moderate physicochemical difference between arginine and tryptophan. The frequency data for this variant in the population databases is considered unreliable, as metrics indicate poor data quality at this position in the ExAC database. This variant has not been reported in the literature in individuals affected with COQ9-related conditions. Algorithms developed to predict the effect of missense changes on protein structure and function are either unavailable or do not agree on the potential impact of this missense change (SIFT: "Deleterious"; PolyPhen-2: "Possibly Damaging"; Align-GVGD: "Class C0"). In summary, the available evidence is currently insufficient to determine the role of this variant in disease. Therefore, it has been classified as a Variant of Uncertain Significance.

Neuberg Centre For Genomic Medicine, NCGM
Classification: Uncertain significance for Encephalopathy-hypertrophic cardiomyopathy-renal tubular disease syndrome. Review status: criteria provided, single submitter. Criteria: ACMG Guidelines, 2015. Collection method: clinical testing. Allele origin: germline. Inheritance: Autosomal recessive inheritance. Affected: yes.

NM_020312.4(COQ9):c.466C>T (p.Arg156Trp)

Gene: COQ9 (coenzyme Q9; plus strand). Cytogenetic location: 16q21.
Variant type: single nucleotide variant.
Coding change: c.466C>T on transcript NM_020312.4 (MANE Select); coding-DNA position 466, C replaced by T.
Protein change: p.Arg156Trp; replaces arginine 156 with tryptophan.
Molecular consequence: missense variant.
Genome position (GRCh38, 1-based): chr16:57,456,591, C>T. VCF-style: chr16-57456591-C-T. GRCh37 (hg19) VCF-style: chr16-57490503-C-T.
Other names: short protein forms R156W.
Identifiers: ClinVar variation 1413988 (VCV001413988.5), dbSNP rs749089345, ClinGen allele CA8076216.
Genomic context (GRCh38, chr16:57,456,591, plus strand): 5'-AGCATGTTCGGGAAGGATGGCAGTGAGCTAATACTGCATTTTGTGACCCAGTGCAATACC[C>T]GGCTCACACGTGTGCTAGAAGAGGAGCAGAAGCTGGTACAGTTGGGCCAGGCGGAGTAAG-3'
Protein context (NP_064708.1, residues 146-166): ILHFVTQCNT[Arg156Trp]LTRVLEEEQK